The following is an entry in ClinVar:

NM_001177316.2(SLC34A3):c.987C>T (p.Ala329=)

Gene: SLC34A3 (solute carrier family 34 member 3; plus strand). Cytogenetic location: 9q34.3.
Variant type: single nucleotide variant.
Coding change: c.987C>T on transcript NM_001177316.2 (MANE Select); coding-DNA position 987, C replaced by T.
Protein change: p.Ala329=; no amino-acid change (alanine 329 retained).
Molecular consequence: synonymous variant.
Genome position (GRCh38, 1-based): chr9:137,234,170, C>T. VCF-style: chr9-137234170-C-T. GRCh37 (hg19) VCF-style: chr9-140128622-C-T.
Other names: c.987C>T (NM_080877.2); c.987C>T, p.Ala329= (NM_001177317.2, NM_080877.3).
Identifiers: ClinVar variation 284656 (VCV000284656.11), dbSNP rs372523225, ClinGen allele CA5364717.

ClinVar aggregate classification (germline): Conflicting classifications of pathogenicity. Review status: criteria provided, conflicting classifications (1 of 4 stars). 4 submissions from 4 submitters: Uncertain significance (1); Likely benign (3). Last evaluated 2026-05-29.

Conditions:
SLC34A3-related disorder. Also called: SLC34A3-related condition.

Allele frequency attached by ClinVar (database versions not stated): ESP Exome Variant Server 0.00015; 1000 Genomes Project 30x 0.00016; 1000 Genomes Project 0.00020; gnomAD 0.00005; TOPMed 0.00006; gnomAD exomes 0.00007; ExAC 0.00014.
gnomAD v4.1: 135 of 1,604,078 alleles (0.0084%); highest among the groups gnomAD compares: South Asian, 0.01%; no homozygotes.

Submissions (4):

PreventionGenetics, part of Exact Sciences
Classification: Likely benign for SLC34A3-related condition. Last evaluated: 2026-05-29. Review status: criteria provided, single submitter. Criteria: ACMG Guidelines, 2015. Collection method: clinical testing. Allele origin: germline.
Comment: This variant is classified as likely benign based on ACMG/AMP sequence variant interpretation guidelines (Richards et al. 2015 PMID: 25741868, with internal and published modifications).

Labcorp Genetics (formerly Invitae), Labcorp
Classification: Likely benign. Last evaluated: 2025-07-31. Review status: criteria provided, single submitter. Criteria: Invitae Variant Classification Sherloc (09022015). Collection method: clinical testing. Allele origin: germline.

Blueprint Genetics
Classification: Likely benign. Last evaluated: 2024-09-22. Review status: criteria provided, single submitter. Criteria: ACMG Guidelines, 2015. Collection method: clinical testing. Allele origin: germline.

Eurofins Ntd Llc (ga)
Classification: Uncertain significance. Last evaluated: 2015-11-09. Review status: criteria provided, single submitter. Criteria: EGL Classification Definitions 2015. Collection method: clinical testing. Allele origin: germline. Observed: 1 variant allele, 1 heterozygote.